The following is an entry in ClinVar:

NM_006269.2(RP1):c.2626A>T (p.Lys876Ter)

Gene: RP1 (RP1 axonemal microtubule associated; plus strand). Cytogenetic location: 8q12.1.
Variant type: single nucleotide variant.
Coding change: c.2626A>T on transcript NM_006269.2 (MANE Select); coding-DNA position 2626, A replaced by T.
Protein change: p.Lys876Ter; replaces lysine 876 with a stop codon.
Molecular consequence: nonsense. On other transcripts: intron variant (1).
Genome position (GRCh38, 1-based): chr8:54,626,508, A>T. VCF-style: chr8-54626508-A-T. GRCh37 (hg19) VCF-style: chr8-55539068-A-T.
Other names: c.787+4220A>T (NM_001375654.1); short protein forms K876*.
Identifiers: ClinVar variation 1994925 (VCV001994925.4), dbSNP rs2536575855, ClinGen allele CA370994263.

ClinVar aggregate classification (germline): Pathogenic (1 of 4 stars; one submission).

Submission:

Labcorp Genetics (formerly Invitae), Labcorp
Classification: Pathogenic. Last evaluated: 2022-10-02. Review status: criteria provided, single submitter. Criteria: Invitae Variant Classification Sherloc (09022015). Collection method: clinical testing. Allele origin: germline.
Comment: For these reasons, this variant has been classified as Pathogenic. This variant disrupts the C-terminus of the RP1 protein. Many variants that disrupt this region have been reported in individuals with either autosomal dominant or autosomal recessive retinitis pigmentosa (PMID: 11527933, 19933189, 29425069, 30027431, 33681214). Therefore, variants that disrupt this region are expected to be disease-causing. This variant has not been reported in the literature in individuals affected with RP1-related conditions. This variant is not present in population databases (gnomAD no frequency). This sequence change creates a premature translational stop signal (p.Lys876*) in the RP1 gene. While this is not anticipated to result in nonsense mediated decay, it is expected to disrupt the last 1281 amino acid(s) of the RP1 protein.

Literature cited by the submitters: PubMed 11527933; PubMed 19933189; PubMed 29425069; PubMed 30027431; PubMed 33681214.